The following is an entry in ClinVar:

ClinVar aggregate classification (germline): Likely pathogenic (1 of 4 stars; one submission).

Submission:

Labcorp Genetics (formerly Invitae), Labcorp
Classification: Likely pathogenic. Last evaluated: 2025-03-13. Review status: criteria provided, single submitter. Criteria: Invitae Variant Classification Sherloc (09022015). Collection method: clinical testing. Allele origin: germline.
Comment: This sequence change affects a donor splice site in intron 11 of the IFT81 gene. It is expected to disrupt RNA splicing. Variants that disrupt the donor or acceptor splice site typically lead to a loss of protein function (PMID: 16199547), and loss-of-function variants in IFT81 are known to be pathogenic (PMID: 26275418, 27666822). This variant is not present in population databases (gnomAD no frequency). This variant has not been reported in the literature in individuals affected with IFT81-related conditions. Algorithms developed to predict the effect of sequence changes on RNA splicing suggest that this variant may disrupt the consensus splice site. In summary, the currently available evidence indicates that the variant is pathogenic, but additional data are needed to prove that conclusively. Therefore, this variant has been classified as Likely Pathogenic.

Literature cited by the submitters: PubMed 16199547; PubMed 26275418; PubMed 27666822.

NM_014055.4(IFT81):c.1188+2T>A

Gene: IFT81 (intraflagellar transport 81; plus strand). Cytogenetic location: 12q24.11.
Variant type: single nucleotide variant.
Coding change: c.1188+2T>A on transcript NM_014055.4 (MANE Select); the canonical splice donor site of the intron after coding-DNA position 1188, T replaced by A.
Molecular consequence: splice donor variant.
Genome position (GRCh38, 1-based): chr12:110,163,067, T>A. VCF-style: chr12-110163067-T-A. GRCh37 (hg19) VCF-style: chr12-110600872-T-A.
Other names: c.258+2T>A (NM_001347948.2, NM_001347947.2); c.1188+2T>A (NM_001143779.2, NM_031473.4, NM_001347946.2).
Identifiers: ClinVar variation 4714976 (VCV004714976.1).